The following is an entry in ClinVar:

ClinVar aggregate classification (germline): Uncertain significance. Review status: criteria provided, multiple submitters, no conflicts (2 of 4 stars). 2 submissions from 2 submitters: Uncertain significance (2). Last evaluated 2019-01-26.

Conditions:
Restrictive cardiomyopathy. Identifiers: Orphanet 217632, MedGen C0007196, MeSH D002313, MONDO:0005201, HP:0001723.
Hypertrophic cardiomyopathy. Also called: HYPERTROPHIC MYOCARDIOPATHY. Identifiers: Orphanet 217569, MedGen C0007194, MeSH D002312, MONDO:0005045, HP:0001639.

gnomAD v4.1: 1 of 1,614,182 alleles (0.000062%); highest among the groups gnomAD compares: East Asian, 0.0022%; no homozygotes.

Submissions (2):

Labcorp Genetics (formerly Invitae), Labcorp
Classification: Uncertain significance for Hypertrophic cardiomyopathy. Last evaluated: 2019-01-26. Review status: criteria provided, single submitter. Criteria: Invitae Variant Classification Sherloc (09022015). Collection method: clinical testing. Allele origin: germline.
Comment: This sequence change replaces valine with leucine at codon 156 of the MYL3 protein (p.Val156Leu). The valine residue is moderately conserved and there is a small physicochemical difference between valine and leucine. This variant is not present in population databases (ExAC no frequency). This variant has been observed in individuals affected with hypertrophic cardiomyopathy (PMID: 25132132, 27532257). Algorithms developed to predict the effect of missense changes on protein structure and function are either unavailable or do not agree on the potential impact of this missense change (SIFT: "Tolerated"; PolyPhen-2: "Possibly Damaging"; Align-GVGD: "Class C0"). In summary, the available evidence is currently insufficient to determine the role of this variant in disease. Therefore, it has been classified as a Variant of Uncertain Significance.

Agnes Ginges Centre for Molecular Cardiology, Centenary Institute
Classification: Uncertain significance for restrictive cardiomyopathy. Last evaluated: 2018-12-05. Review status: criteria provided, single submitter. Criteria: ACMG Guidelines, 2015. Collection method: research. Allele origin: germline. Inheritance: Autosomal dominant inheritance. Affected: yes.
Comment: MYL3 Val156Leu has been previously reported in several HCM cases (Walsh R, et al., 2017; Wang J, et al., 2014; Sao Paulo, Pers. Comm., LMM, Pers. Comm.). MYL3 Val156Leu is present once in the Genome Aggregation Database (AF= 0.000004). Interestingly, different rare variants at this position (c.466G>T Val156Leu & c.466G>A Val156Met) have also been reported in HCM individuals, suggesting that an amino acid substitution at this site may not be tolerated. In silico tools SIFT, PolyPhen2 and MutationTaster all predict this variant to be deleterious. Based on the adapted ACMG guidelines (Kelly MA, et al., 2018), this variant is rare in the general population (PM2), has been identified in more than 2 HCM probands (PS4_Supporting) and in silico tools predict this variant to be deleterious (PP3), therefore we classify MYL3 Val156Leu as a variant of 'uncertain significance'.

Literature cited by the submitters: PubMed 25132132 (cited by Labcorp Genetics (formerly Invitae), Labcorp and Agnes Ginges Centre for Molecular Cardiology, Centenary Institute); PubMed 27532257 (cited by Labcorp Genetics (formerly Invitae), Labcorp and Agnes Ginges Centre for Molecular Cardiology, Centenary Institute); PubMed 24111713 (cited by Agnes Ginges Centre for Molecular Cardiology, Centenary Institute).

NM_000258.3(MYL3):c.466G>C (p.Val156Leu)

Gene: MYL3 (myosin light chain 3; minus strand). Cytogenetic location: 3p21.31.
Variant type: single nucleotide variant.
Coding change: c.466G>C on transcript NM_000258.3 (MANE Select); coding-DNA position 466, G replaced by C.
Protein change: p.Val156Leu; replaces valine 156 with leucine.
Molecular consequence: missense variant.
Genome position (GRCh38, 1-based): chr3:46,859,490, C>G on the plus strand (G>C on the coding strand, the complement: MYL3 is on the minus strand). VCF-style: chr3-46859490-C-G. GRCh37 (hg19) VCF-style: chr3-46900980-C-G.
Other names: short protein forms V156L.
Identifiers: ClinVar variation 848489 (VCV000848489.8), dbSNP rs199474707, ClinGen allele CA352495892.